The following is an entry in ClinVar:

ClinVar aggregate classification (germline): Uncertain significance (0 of 4 stars; one submission).

Conditions:
SEMA3B-related disorder. Also called: SEMA3B-related condition.

gnomAD v4.1: 34 of 1,603,082 alleles (0.0021%); highest among the groups gnomAD compares: Admixed American, 0.015%; no homozygotes.

Submission:

PreventionGenetics, part of Exact Sciences
Classification: Uncertain significance for SEMA3B-related condition. Last evaluated: 2024-09-15. Review status: no assertion criteria provided. Collection method: clinical testing. Allele origin: germline.
Comment: The SEMA3B c. 443G>A variant is predicted to result in the amino acid substitution p.Arg148Gln. To our knowledge, this variant has not been reported in the literature. This variant is reported in 0.011% of alleles in individuals of South Asian descent in gnomAD. At this time, the clinical significance of this variant is uncertain due to the absence of conclusive functional and genetic evidence.

NM_001290060.2(SEMA3B):c.443G>A (p.Arg148Gln)

Gene: SEMA3B (semaphorin 3B; plus strand). Cytogenetic location: 3p21.31.
Variant type: single nucleotide variant.
Coding change: c.443G>A on transcript NM_001290060.2 (MANE Select); coding-DNA position 443, G replaced by A.
Protein change: p.Arg148Gln; replaces arginine 148 with glutamine.
Molecular consequence: missense variant.
Genome position (GRCh38, 1-based): chr3:50,271,002, G>A. VCF-style: chr3-50271002-G-A. GRCh37 (hg19) VCF-style: chr3-50308433-G-A.
Other names: c.443G>A, p.Arg148Gln (NM_001290061.1, NM_004636.4, NM_001005914.3); short protein forms R148Q.
Identifiers: ClinVar variation 3358393 (VCV003358393.1).
Genomic context (GRCh38, chr3:50,271,002, plus strand): 5'-TGCTGGCCTGTGGCACGGGAGCCTTCCACCCAACCTGTGCCTTTGTGGAAGTGGGCCACC[G>A]GGCAGAGGTAAGGCCGGATCTAGGCAGGGAGGGAGGTCAGGAGGGTAAGAAGGGCCTGGT-3'
Protein context (NP_001276989.1, residues 138-158): PTCAFVEVGH[Arg148Gln]AEEPVLRLDP